The following is an entry in ClinVar:

NM_001382391.1(CSPP1):c.303+3A>T

Gene: CSPP1 (centrosome and spindle pole associated protein 1; plus strand). Cytogenetic location: 8q13.1.
Variant type: single nucleotide variant.
Coding change: c.303+3A>T on transcript NM_001382391.1 (MANE Select); 3 bases into the intron after coding-DNA position 303, A replaced by T.
Molecular consequence: intron variant.
Genome position (GRCh38, 1-based): chr8:67,086,113, A>T. VCF-style: chr8-67086113-A-T. GRCh37 (hg19) VCF-style: chr8-67998348-A-T.
Other names: c.303+3A>T (NM_001363132.2, NM_001363131.2, NM_001363133.2); c.411+3A>T (NM_001364869.1, NM_024790.7, NM_001438331.1 and 3 more transcripts); c.-472+3A>T (NM_001291339.2).
Identifiers: ClinVar variation 1020742 (VCV001020742.8), dbSNP rs920556156, ClinGen allele CA178187971.

ClinVar aggregate classification (germline): Uncertain significance. Review status: criteria provided, multiple submitters, no conflicts (2 of 4 stars). 3 submissions from 3 submitters: Uncertain significance (3). Last evaluated 2023-09-25.

Conditions:
Joubert syndrome 21 (JBTS21). Identifiers: MedGen C3810212, MONDO:0014288, OMIM 615636.

Allele frequency attached by ClinVar (database versions not stated): gnomAD 0.00001; TOPMed 0.00005.
gnomAD v4.1: 7 of 1,223,504 alleles (0.00057%); highest among the groups gnomAD compares: Admixed American, 0.0017%; 1 homozygote.

Submissions (3):

Labcorp Genetics (formerly Invitae), Labcorp
Classification: Uncertain significance for Joubert syndrome 21. Last evaluated: 2023-09-25. Review status: criteria provided, single submitter. Criteria: Invitae Variant Classification Sherloc (09022015). Collection method: clinical testing. Allele origin: germline.
Comment: This sequence change falls in intron 4 of the CSPP1 gene. It does not directly change the encoded amino acid sequence of the CSPP1 protein. It affects a nucleotide within the consensus splice site. This variant is not present in population databases (gnomAD no frequency). This variant has not been reported in the literature in individuals affected with CSPP1-related conditions. ClinVar contains an entry for this variant (Variation ID: 1020742). Variants that disrupt the consensus splice site are a relatively common cause of aberrant splicing (PMID: 17576681, 9536098). Algorithms developed to predict the effect of sequence changes on RNA splicing suggest that this variant may create or strengthen a splice site. In summary, the available evidence is currently insufficient to determine the role of this variant in disease. Therefore, it has been classified as a Variant of Uncertain Significance.

Revvity Omics, Revvity
Classification: Uncertain significance for Joubert syndrome 21. Last evaluated: 2019-12-10. Review status: criteria provided, single submitter. Criteria: ACMG Guidelines, 2015. Collection method: clinical testing. Allele origin: germline.

Breakthrough Genomics
Classification: Uncertain significance. Review status: criteria provided, single submitter. Criteria: ACMG Guidelines, 2015. Collection method: not provided. Allele origin: germline. Inheritance: Autosomal recessive inheritance. Affected: yes.

Literature cited by the submitters: PubMed 17576681 (cited by Labcorp Genetics (formerly Invitae), Labcorp); PubMed 9536098 (cited by Labcorp Genetics (formerly Invitae), Labcorp).